The following is an entry in ClinVar:

NM_004614.5(TK2):c.361C>A (p.His121Asn)

Gene: TK2 (thymidine kinase 2; minus strand). Cytogenetic location: 16q21.
Variant type: single nucleotide variant.
Coding change: c.361C>A on transcript NM_004614.5 (MANE Select); coding-DNA position 361, C replaced by A.
Protein change: p.His121Asn; replaces histidine 121 with asparagine.
Molecular consequence: missense variant. On other transcripts: non-coding transcript variant (1).
Genome position (GRCh38, 1-based): chr16:66,531,394, G>T on the plus strand (C>A on the coding strand, the complement: TK2 is on the minus strand). VCF-style: chr16-66531394-G-T. GRCh37 (hg19) VCF-style: chr16-66565297-G-T.
Other names: c.268C>A, p.His90Asn (NM_001172643.1, NM_001271935.1); c.286C>A, p.His96Asn (NM_001172644.2); c.307C>A, p.His103Asn (NM_001172645.2); c.214C>A, p.His72Asn (NM_001271934.2); c.70C>A, p.His24Asn (NM_001272050.2); short protein forms H121N, H72N, H90N, H103N, H24N, H96N.
Identifiers: ClinVar variation 12708 (VCV000012708.14), dbSNP rs137854429, ClinGen allele CA320611.
Genomic context (GRCh38, chr16:66,531,394, plus strand): 5'-TGAAGAAAACGTTTAAGAAGGCTGAAACTGAGCATCTGAAACCTACCTGAGGACGAGTAT[G>T]CCTGTCCAGCATGGTGAGCTGCACATAAGTCTGTAGCGTAAGACCCCAGCGAGAGGCATC-3'
Protein context (NP_004605.4, residues 111-131): TYVQLTMLDR[His121Asn]TRPQVSSVRL

ClinVar aggregate classification (germline): Pathogenic. Review status: criteria provided, multiple submitters, no conflicts (2 of 4 stars). 6 submissions from 6 submitters: Pathogenic (5). 1 of the submissions does not count toward it. Last evaluated 2025-11-24.

Conditions:
Mitochondrial DNA depletion syndrome. Also called: mitochondrial DNA depletion. Identifiers: Orphanet 35698, MedGen C0342782, MONDO:0018158.
Mitochondrial disease. Also called: Mitochondrial disorder; Mitochondrial disorders. Identifiers: Orphanet 68380, MedGen C0751651, MeSH D028361, MONDO:0044970.
Mitochondrial DNA depletion syndrome, myopathic form (MTDPS2). Also called: MITOCHONDRIAL DNA DEPLETION MYOPATHY, TK2-RELATED; TK2-Related Mitochondrial DNA Maintenance Defect, Myopathic Form; MITOCHONDRIAL DNA DEPLETION SYNDROME 2 (MYOPATHIC TYPE). Identifiers: Orphanet 254875, MedGen C3149750, MONDO:0012301, OMIM 609560.

Allele frequency attached by ClinVar (database versions not stated): TOPMed 0.00008; gnomAD 0.00016; ExAC 0.00008; 1000 Genomes Project 0.00020; gnomAD exomes 0.00003 and 0.00012; 1000 Genomes Project 30x 0.00016.
gnomAD v4.1: 73 of 1,614,186 alleles (0.0045%); highest among the groups gnomAD compares: Admixed American, 0.067%; no homozygotes.

Submissions (6):

Genomenon, Inc
Classification: Pathogenic for Mitochondrial disease. Last evaluated: 2025-11-24. Review status: criteria provided, single submitter. Criteria: Genomenon Sequence Variant Interpretation Standards - Updated. Collection method: curation. Allele origin: germline. Affected: yes.
Comment: TK2 p.His121Asn (c.361C>A) is a missense variant that changes the amino acid at residue 121 from Histidine to Asparagine. It is also described as H163N, His90Asn, and H90N in the literature. This variant has been observed in multiple probands affected with mitochondrial disease in both the homozygous and compound heterozygous state (29735374, 38544965, 40089535) and was found to segregate with disease in multiple families (40089535). Functional studies have been reported (12493767, 18446447). This variant is not present at a significant frequency in gnomAD, and in silico models agree that this variant is possibly or probably damaging. In conclusion, we classify TK2 p.His121Asn (c.361C>A) as a pathogenic variant.

Dasa
Classification: Pathogenic. Last evaluated: 2025-05-22. Review status: criteria provided, single submitter. Criteria: DASA Assertion Criteria. Collection method: clinical testing. Allele origin: germline.
Comment: NM_004614.5(TK2):c.361C>A (p.His121Asn) is a missense variant that results in the substitution of histidine with asparagine. This variant results in the same amino acid change as a previously established pathogenic variant. This variant has been observed in affected individuals with related phenotype in a genotype context consistent with recessive disease (PMID: 29735374; PMID: 38544965). This variant has been recurrently observed in individuals with related phenotype (PMID: 29735374; PMID: 38544965). Multiple computational predictions support a deleterious effect on the gene or gene product. The variant is present at low frequency in population datasets. Based on the available data, this variant is classified as pathogenic.

Women's Health and Genetics/Laboratory Corporation of America, LabCorp
Classification: Pathogenic for Mitochondrial DNA depletion syndrome. Last evaluated: 2024-03-21. Review status: criteria provided, single submitter. Criteria: LabCorp Variant Classification Summary - May 2015. Collection method: clinical testing. Allele origin: germline.
Comment: Variant summary: TK2 c.361C>A (p.His121Asn) results in a conservative amino acid change located in the Deoxynucleoside kinase domain (IPR031314) of the encoded protein sequence. Four of five in-silico tools predict a damaging effect of the variant on protein function. The variant allele was found at a frequency of 0.00012 in 250912 control chromosomes. This frequency is not significantly higher than estimated for a pathogenic variant in TK2 causing Mitochondrial DNA Depletion Syndrome - TK2 Related (0.00012 vs 0.0011), allowing no conclusion about variant significance. c.361C>A has been reported in the literature in multiple individuals affected with Mitochondrial DNA Depletion Syndrome (example, Chanprasert_2013, Mancuso_2002). These data indicate that the variant is very likely to be associated with disease. To our knowledge, no experimental evidence demonstrating an impact on protein function has been reported. The following publications have been ascertained in the context of this evaluation (PMID: 23932787, 12873860). ClinVar contains an entry for this variant (Variation ID: 12708). Based on the evidence outlined above, the variant was classified as pathogenic.

Labcorp Genetics (formerly Invitae), Labcorp
Classification: Pathogenic. Last evaluated: 2021-08-12. Review status: criteria provided, single submitter. Criteria: Invitae Variant Classification Sherloc (09022015). Collection method: clinical testing. Allele origin: germline.

Baylor Genetics
Classification: Pathogenic for Mitochondrial DNA depletion syndrome, myopathic form. Last evaluated: 2017-09-01. Review status: criteria provided, single submitter. Criteria: ACMG Guidelines, 2015. Collection method: clinical testing. Allele origin: germline. Inheritance: Autosomal recessive inheritance. Affected: yes.
Comment: Heterozygotes are expected to be asymptomatic carriers.

OMIM
Classification: Pathogenic for MITOCHONDRIAL DNA DEPLETION SYNDROME 2 (MYOPATHIC TYPE). Last evaluated: 2012-02-28. Review status: no assertion criteria provided. Collection method: literature only. Allele origin: germline. Not counted in ClinVar's aggregate classification.

Literature cited by the submitters: PubMed 29735374 (cited by Genomenon, Inc and Dasa); PubMed 38544965 (cited by Genomenon, Inc and Dasa); PubMed 40089535 (cited by Genomenon, Inc); PubMed 12493767 (cited by 3 submitters); PubMed 18446447 (cited by Genomenon, Inc); PubMed 23932787 (cited by Women's Health and Genetics/Laboratory Corporation of America, LabCorp); PubMed 12873860 (cited by Women's Health and Genetics/Laboratory Corporation of America, LabCorp); PubMed 11687801 (cited by Baylor Genetics and OMIM); PubMed 22345218 (cited by Baylor Genetics and OMIM); PubMed 25326635 (cited by Baylor Genetics).